The following is an entry in ClinVar:

ClinVar aggregate classification (germline): Uncertain significance (1 of 4 stars; one submission).

Conditions:
Spastic paraplegia. Identifiers: MedGen C0037772, HP:0001258.

Allele frequency attached by ClinVar (database versions not stated): TOPMed 0.00001.
gnomAD v4.1: 5 of 1,613,854 alleles (0.00031%); highest among the groups gnomAD compares: Non-Finnish European, 0.00025%; no homozygotes.

Submission:

Labcorp Genetics (formerly Invitae), Labcorp
Classification: Uncertain significance for Spastic paraplegia. Last evaluated: 2022-07-19. Review status: criteria provided, single submitter. Criteria: Invitae Variant Classification Sherloc (09022015). Collection method: clinical testing. Allele origin: germline.
Comment: In summary, the available evidence is currently insufficient to determine the role of this variant in disease. Therefore, it has been classified as a Variant of Uncertain Significance. Algorithms developed to predict the effect of missense changes on protein structure and function are either unavailable or do not agree on the potential impact of this missense change (SIFT: "Deleterious"; PolyPhen-2: "Benign"; Align-GVGD: "Class C0"). ClinVar contains an entry for this variant (Variation ID: 1015667). This variant has not been reported in the literature in individuals affected with AP4E1-related conditions. This variant is not present in population databases (gnomAD no frequency). This sequence change replaces serine, which is neutral and polar, with arginine, which is basic and polar, at codon 634 of the AP4E1 protein (p.Ser634Arg).

NM_007347.5(AP4E1):c.1902T>A (p.Ser634Arg)

Gene: AP4E1 (adaptor related protein complex 4 subunit epsilon 1; plus strand). Cytogenetic location: 15q21.2.
Variant type: single nucleotide variant.
Coding change: c.1902T>A on transcript NM_007347.5 (MANE Select); coding-DNA position 1902, T replaced by A.
Protein change: p.Ser634Arg; replaces serine 634 with arginine.
Molecular consequence: missense variant.
Genome position (GRCh38, 1-based): chr15:50,968,313, T>A. VCF-style: chr15-50968313-T-A. GRCh37 (hg19) VCF-style: chr15-51260510-T-A.
Other names: c.1677T>A, p.Ser559Arg (NM_001252127.2); short protein forms S559R, S634R.
Identifiers: ClinVar variation 1015667 (VCV001015667.6), dbSNP rs2064423182, ClinGen allele CA392417508.
Genomic context (GRCh38, chr15:50,968,313, plus strand): 5'-TTTAATATAGGTAGATGCTTCTTTATCTTTTCTGGATGGTTTTGTGGCTGAAGGACTCAG[T>A]CAGGGTGCAGCGCCTTACAAACCTCCCCATCAACGCCAGGAGGAAAAGCTTTCTCAGGAA-3'
Protein context (NP_031373.2, residues 624-644): FLDGFVAEGL[Ser634Arg]QGAAPYKPPH